The following is an entry in ClinVar:

NM_000284.4(PDHA1):c.917_924dup (p.Glu309fs)

Gene: PDHA1 (pyruvate dehydrogenase E1 subunit alpha 1; plus strand). Cytogenetic location: Xp22.12.
Variant type: Duplication.
Coding change: c.917_924dup on transcript NM_000284.4 (MANE Select); coding-DNA positions 917 to 924, 8 bases duplicated (AAATTCAG; older notation c.917_924dupAAATTCAG).
Protein change: p.Glu309fs; shifts the reading frame from glutamic acid 309.
Molecular consequence: frameshift variant.
Genome position (GRCh38, 1-based): chrX:19,358,933-19,358,940, AAATTCAG duplicated; duplicating any 8 consecutive bases within chrX:19,358,931-19,358,940 gives the same sequence; the c. name uses the placement nearest the transcript's 3' end. VCF-style (leftmost placement, unchanged base first): chrX-19358930-A-AAGAAATTC. GRCh37 (hg19) VCF-style: chrX-19377048-A-AAGAAATTC.
Other names: c.1031_1038dup, p.Glu347fs (NM_001173454.2); c.938_945dup, p.Glu316fs (NM_001173455.2); c.824_831dup, p.Glu278fs (NM_001173456.2); short protein forms E278fs, E309fs, E316fs, E347fs.
Identifiers: ClinVar variation 4070401 (VCV004070401.1).
Genomic context (GRCh38, chrX:19,358,930, plus strand): 5'-CTGGAACTGCTCTTACTGATCGATTACTACTTTTCCCTCCCCATAGTTACCGTACACGAG[A>AAGAAATTC]AGAAATTCAGGAAGTAAGAAGTAAGAGTGACCCTATTATGCTTCTCAAGGACAGGATGGT-3'

ClinVar aggregate classification (germline): Pathogenic (0 of 4 stars; one submission).

Conditions:
Pyruvate dehydrogenase E1-alpha deficiency (PDHAD). Also called: ATAXIA, INTERMITTENT, WITH PYRUVATE DEHYDROGENASE DEFICIENCY; ATAXIA WITH LACTIC ACIDOSIS I; ATAXIA, INTERMITTENT, WITH ABNORMAL PYRUVATE METABOLISM; Ataxia, intermittent, with pyruvate dehydrogenase, or decarboxylase, deficiency. Identifiers: Orphanet 79243, MedGen C1839413, MONDO:0010717, OMIM 312170.

Submission:

PDHA1 Study Group, University Children’s Hospital, Paracelsus Medical University
Classification: Pathogenic for Pyruvate dehydrogenase E1-alpha deficiency. Last evaluated: 2024-10-15. Review status: no assertion criteria provided. Collection method: research. Allele origin: de novo. Affected: yes. Observed: 1 variant allele.
Comment: The NM_000284.3:c.917_924dup (p.Glu309LysfsTer5) change is a frameshift variant in PDHA1 gene. This variant is predicted to result in nonsense-mediated decay (NMD). Among them, 1 case had confirmed de novo occurrence. Last literature search: July 12, 2024. This variant is absent or extremely rare in population-based cohorts in the Genome Aggregation Database (gnomAD). Individuals harboring this variant presented with clinical features compatible with PDHA1-related PDHc deficiency. In summary, this variant meets criteria to be classified as pathogenic (P) for PDHA1-related PDHc deficiency based on the ACMG/AMP criteria applied: PVS1, PS2, PM2 (last assessment October 15, 2024).

Literature cited by the submitters: DOI 10.1093/brain/awaf430.